The following is an entry in ClinVar:

NM_003482.4(KMT2D):c.7215C>T (p.Ser2405=)

Gene: KMT2D (lysine methyltransferase 2D; minus strand). Cytogenetic location: 12q13.12.
Variant type: single nucleotide variant.
Coding change: c.7215C>T on transcript NM_003482.4 (MANE Select); coding-DNA position 7215, C replaced by T.
Protein change: p.Ser2405=; no amino-acid change (serine 2405 retained).
Molecular consequence: synonymous variant.
Genome position (GRCh38, 1-based): chr12:49,040,555, G>A on the plus strand (C>T on the coding strand, the complement: KMT2D is on the minus strand). VCF-style: chr12-49040555-G-A. GRCh37 (hg19) VCF-style: chr12-49434338-G-A.
Identifiers: ClinVar variation 2070409 (VCV002070409.6), dbSNP rs372093782, ClinGen allele CA6547102.

ClinVar aggregate classification (germline): Likely benign. Review status: criteria provided, multiple submitters, no conflicts (2 of 4 stars). 3 submissions from 3 submitters: Likely benign (3). Last evaluated 2026-01-11.

Conditions:
Kabuki syndrome. Also called: Kabuki make-up syndrome; NIIKAWA-KUROKI SYNDROME. Identifiers: Orphanet 2322, MedGen C0796004, MONDO:0016512.
KMT2D-related disorder. Also called: KMT2D-Related Disorders.

Allele frequency attached by ClinVar (database versions not stated): ESP Exome Variant Server 0.00008.

Submissions (3):

Labcorp Genetics (formerly Invitae), Labcorp
Classification: Likely benign for Kabuki syndrome. Last evaluated: 2026-01-11. Review status: criteria provided, single submitter. Criteria: Invitae Variant Classification Sherloc (09022015). Collection method: clinical testing. Allele origin: germline.

PreventionGenetics, part of Exact Sciences
Classification: Likely benign for KMT2D-related condition. Last evaluated: 2025-06-13. Review status: criteria provided, single submitter. Criteria: ACMG Guidelines, 2015. Collection method: clinical testing. Allele origin: germline.
Comment: This variant is classified as likely benign based on ACMG/AMP sequence variant interpretation guidelines (Richards et al. 2015 PMID: 25741868, with internal and published modifications).

Women's Health and Genetics/Laboratory Corporation of America, LabCorp
Classification: Likely benign. Last evaluated: 2024-10-17. Review status: criteria provided, single submitter. Criteria: LabCorp Variant Classification Summary - May 2015. Collection method: clinical testing. Allele origin: germline.